The following is an entry in ClinVar:

ClinVar aggregate classification (germline): Likely benign (1 of 4 stars; one submission).

Allele frequency attached by ClinVar (database versions not stated): gnomAD 0.00095; 1000 Genomes Project 0.00040; 1000 Genomes Project 30x 0.00047; ExAC 0.00068; gnomAD exomes 0.00080; TOPMed 0.00080.
gnomAD v4.1: 401 of 470,348 alleles (0.085%); highest among the groups gnomAD compares: Middle Eastern, 0.18%; 1 homozygote.

Submission:

CeGaT Center for Human Genetics Tuebingen
Classification: Likely benign. Last evaluated: 2022-08-01. Review status: criteria provided, single submitter. Criteria: CeGaT Center For Human Genetics Tuebingen Variant Classification Criteria Version 2. Collection method: clinical testing. Allele origin: germline. Affected: yes. Observed: 1 variant allele.
Comment: ARHGAP8: BP4, BP7

NM_181335.3(ARHGAP8):c.299+658C>T

Genes: ARHGAP8 (Rho GTPase activating protein 8; plus strand), PRR5-ARHGAP8 (PRR5-ARHGAP8 readthrough; plus strand). Cytogenetic location: 22q13.31.
Variant type: single nucleotide variant.
Coding change: c.299+658C>T on transcript NM_181335.3 (MANE Select); 658 bases into the intron after coding-DNA position 299, C replaced by T.
Molecular consequence: intron variant. On other transcripts: synonymous variant (1).
Genome position (GRCh38, 1-based): chr22:44,809,096, C>T. VCF-style: chr22-44809096-C-T. GRCh37 (hg19) VCF-style: chr22-45204976-C-T.
Other names: c.390C>T, p.Tyr130= (NM_001017526.2); c.692+658C>T (NM_181334.6); c.299+658C>T (NM_001198726.2).
Identifiers: ClinVar variation 2653278 (VCV002653278.23), dbSNP rs559051849, ClinGen allele CA10281511.